The following is an entry in ClinVar:

ClinVar aggregate classification (germline): Uncertain significance. Review status: criteria provided, multiple submitters, no conflicts (2 of 4 stars). 4 submissions from 4 submitters: Uncertain significance (4). Last evaluated 2025-03-04.

Conditions:
Hereditary cancer-predisposing syndrome. Also called: Neoplastic Syndromes, Hereditary; Tumor predisposition; Hereditary neoplastic syndrome; Hereditary Cancer Syndrome. Identifiers: Orphanet 140162, MedGen C0027672, MeSH D009386, MONDO:0015356.
Familial adenomatous polyposis 1 (FAP1). Also called: FAMILIAL ADENOMATOUS POLYPOSIS 1, ATTENUATED; POLYPOSIS, ADENOMATOUS INTESTINAL. Identifiers: MedGen C2713442, MONDO:0021056, OMIM 175100. Disease mechanism: loss of function.

Submissions (4):

Center for Genomic Medicine, Rigshospitalet, Copenhagen University Hospital
Classification: Uncertain significance. Last evaluated: 2025-03-04. Review status: criteria provided, single submitter. Criteria: ACMG Guidelines, 2015. Collection method: clinical testing. Allele origin: germline.

Ambry Genetics
Classification: Uncertain significance for Hereditary cancer-predisposing syndrome. Last evaluated: 2024-09-20. Review status: criteria provided, single submitter. Criteria: Ambry Variant Classification Scheme 2023. Collection method: clinical testing. Allele origin: germline.
Comment: The p.E2737K variant (also known as c.8209G>A), located in coding exon 15 of the APC gene, results from a G to A substitution at nucleotide position 8209. The glutamic acid at codon 2737 is replaced by lysine, an amino acid with similar properties. This amino acid position is well conserved in available vertebrate species. In addition, in silico predictors for this gene do not accurately predict pathogenicity. Based on the available evidence, the clinical significance of this variant remains unclear.

Baylor Genetics
Classification: Uncertain significance for Familial adenomatous polyposis 1. Last evaluated: 2023-07-07. Review status: criteria provided, single submitter. Criteria: ACMG Guidelines, 2015. Collection method: clinical testing. Allele origin: unknown.

Labcorp Genetics (formerly Invitae), Labcorp
Classification: Uncertain significance for Familial adenomatous polyposis 1. Last evaluated: 2019-12-11. Review status: criteria provided, single submitter. Criteria: Invitae Variant Classification Sherloc (09022015). Collection method: clinical testing. Allele origin: germline.
Comment: In summary, the available evidence is currently insufficient to determine the role of this variant in disease. Therefore, it has been classified as a Variant of Uncertain Significance. Algorithms developed to predict the effect of missense changes on protein structure and function are either unavailable or do not agree on the potential impact of this missense change (SIFT: "Deleterious"; PolyPhen-2: "Possibly Damaging"; Align-GVGD: "Class C15"). This variant has not been reported in the literature in individuals with APC-related conditions. This variant is not present in population databases (ExAC no frequency). This sequence change replaces glutamic acid with lysine at codon 2737 of the APC protein (p.Glu2737Lys). The glutamic acid residue is highly conserved and there is a small physicochemical difference between glutamic acid and lysine.

NM_000038.6(APC):c.8209G>A (p.Glu2737Lys)

Gene: APC (APC regulator of Wnt signaling pathway; plus strand). Cytogenetic location: 5q22.2.
Variant type: single nucleotide variant.
Coding change: c.8209G>A on transcript NM_000038.6 (MANE Select); coding-DNA position 8209, G replaced by A.
Protein change: p.Glu2737Lys; replaces glutamic acid 2737 with lysine.
Molecular consequence: missense variant.
Genome position (GRCh38, 1-based): chr5:112,843,803, G>A. VCF-style: chr5-112843803-G-A. GRCh37 (hg19) VCF-style: chr5-112179500-G-A.
Other names: c.8209G>A, p.Glu2737Lys (NM_001127510.3, NM_001354895.2); c.8155G>A, p.Glu2719Lys (NM_001127511.3); c.8263G>A, p.Glu2755Lys (NM_001354896.2); c.8239G>A, p.Glu2747Lys (NM_001354897.2); c.8134G>A, p.Glu2712Lys (NM_001354898.2); c.8125G>A, p.Glu2709Lys (NM_001354899.2); c.8086G>A, p.Glu2696Lys (NM_001354900.2); c.8032G>A, p.Glu2678Lys (NM_001354901.2); and 5 more; short protein forms E2646K, E2737K, E2755K, E2577K, E2611K, E2696K, E2709K, E2719K.
Identifiers: ClinVar variation 840105 (VCV000840105.55), dbSNP rs1766678816, ClinGen allele CA16039150.
Genomic context (GRCh38, chr5:112,843,803, plus strand): 5'-GGTTTGGAAAATCGCCTGAACTCCTTTATTCAGGTGGATGCCCCTGACCAAAAAGGAACT[G>A]AGATAAAACCAGGACAAAATAATCCTGTCCCTGTATCAGAGACTAATGAAAGTTCTATAG-3'
Protein context (NP_000029.2, residues 2727-2747): QVDAPDQKGT[Glu2737Lys]IKPGQNNPVP